The following is an entry in ClinVar:

ClinVar aggregate classification (germline): Benign/Likely benign. Review status: criteria provided, multiple submitters, no conflicts (2 of 4 stars). 3 submissions from 3 submitters: Benign (1); Likely benign (2). Last evaluated 2026-09-01.

Allele frequency attached by ClinVar (database versions not stated): 1000 Genomes Project 30x 0.00078; 1000 Genomes Project 0.00080; gnomAD 0.00176 and 0.00178; TOPMed 0.00193; gnomAD exomes 0.00229 and 0.00317; ExAC 0.00245; ESP Exome Variant Server 0.00361.
gnomAD v4.1: 4,839 of 1,613,098 alleles (0.3%); highest among the groups gnomAD compares: Non-Finnish European, 0.36%; 17 homozygotes.

Submissions (3):

CeGaT Center for Human Genetics Tuebingen
Classification: Likely benign. Last evaluated: 2026-09-01. Review status: criteria provided, single submitter. Criteria: CeGaT Center For Human Genetics Tuebingen Variant Classification Criteria Version 2. Collection method: clinical testing. Allele origin: germline. Affected: yes. Observed: 27 variant alleles.
Comment: RORB: BP4, BS2

Labcorp Genetics (formerly Invitae), Labcorp
Classification: Benign. Last evaluated: 2026-02-03. Review status: criteria provided, single submitter. Criteria: Invitae Variant Classification Sherloc (09022015). Collection method: clinical testing. Allele origin: germline.

Blueprint Genetics
Classification: Likely benign. Last evaluated: 2024-11-27. Review status: criteria provided, single submitter. Criteria: ACMG Guidelines, 2015. Collection method: clinical testing. Allele origin: germline.

NM_006914.4(RORB):c.948C>T (p.Asn316=)

Gene: RORB (RAR related orphan receptor B; plus strand). Cytogenetic location: 9q21.13.
Variant type: single nucleotide variant.
Coding change: c.948C>T on transcript NM_006914.4 (MANE Select); coding-DNA position 948, C replaced by T.
Protein change: p.Asn316=; no amino-acid change (asparagine 316 retained).
Molecular consequence: synonymous variant.
Genome position (GRCh38, 1-based): chr9:74,665,543, C>T. VCF-style: chr9-74665543-C-T. GRCh37 (hg19) VCF-style: chr9-77280459-C-T.
Other names: c.981C>T, p.Asn327= (NM_001365023.1).
Identifiers: ClinVar variation 1539556 (VCV001539556.38), dbSNP rs74717284, ClinGen allele CA5083503.